The following is an entry in ClinVar:

NM_000492.4(CFTR):c.2763_2764dup (p.Val922fs)

Gene: CFTR (CF transmembrane conductance regulator; plus strand). Cytogenetic location: 7q31.2.
Variant type: Duplication.
Coding change: c.2763_2764dup on transcript NM_000492.4 (MANE Select); coding-DNA positions 2763 to 2764, 2 bases duplicated (AG; older notation c.2763_2764dupAG).
Protein change: p.Val922fs; shifts the reading frame from valine 922.
Molecular consequence: frameshift variant.
Genome position (GRCh38, 1-based): chr7:117,603,637-117,603,638, AG duplicated; duplicating any 2 consecutive bases within chr7:117,603,636-117,603,638 gives the same sequence; the c. name uses the placement nearest the transcript's 3' end. VCF-style (leftmost placement, unchanged base first): chr7-117603635-G-GGA. GRCh37 (hg19) VCF-style: chr7-117243689-G-GGA.
Other names: 2896insAG; c.2763_2764dupAG (NM_000492.3); short protein forms V922fs.
Identifiers: ClinVar variation 53563 (VCV000053563.15), dbSNP rs397508431, ClinGen allele CA326920.

ClinVar aggregate classification (germline): Pathogenic. Review status: reviewed by expert panel (3 of 4 stars). 7 submissions from 7 submitters: Pathogenic (1). 6 of the submissions do not count toward it. Last evaluated 2017-03-17.

Conditions:
CFTR-related disorder (CFTR-RD). Also called: CFTR-related condition; CFTR-related disorders. Identifiers: MedGen C5924204, MONDO:7770004.
Bronchiectasis with or without elevated sweat chloride 1 (BESC1). Also called: Cystic Fibrosis-Like Syndrome. Identifiers: Orphanet 60033, MedGen C2749757, MONDO:0008887, OMIM 211400.
Cystic fibrosis (CF). Also called: MUCOVISCIDOSIS. Identifiers: Orphanet 586, MedGen C0010674, MONDO:0009061, OMIM 219700. Disease mechanism: loss of function.

Submissions (7):

CFTR2
Classification: Pathogenic for Cystic fibrosis. Last evaluated: 2017-03-17. Review status: reviewed by expert panel. Criteria: Sosnay PR et al. (Nat Genet 2013). Collection method: research. Allele origin: germline. Affected: yes. Study: CFTR2.

Natera, Inc.
Classification: Pathogenic for CFTR-related disorders. Last evaluated: 2024-09-03. Review status: criteria provided, single submitter. Criteria: Natera Variant Classification Schema (03/2026). Collection method: clinical testing. Allele origin: germline. Not counted in ClinVar's aggregate classification.
Comment: The c.2763_2764dupAG variant in CFTR is a frameshift variant predicted to shift the reading frame beginning at codon 922 and leads to a stop codon 2 codons downstream. This variant is expected to result in nonsense mediated decay, truncation, or a dysfunctional protein product. This variant is rare in the general population with a frequency below the threshold expected for the associated phenotype(s). This variant has been observed in one or more individuals affected with the associated recessive disease, as either homozygous or compound heterozygous with a second variant (PMID: 31916691). Given the available evidence, this variant is classified as Pathogenic.

Baylor Genetics
Classification: Pathogenic for Bronchiectasis with or without elevated sweat chloride 1. Last evaluated: 2023-07-13. Review status: criteria provided, single submitter. Criteria: ACMG Guidelines, 2015. Collection method: clinical testing. Allele origin: unknown. Not counted in ClinVar's aggregate classification.

Labcorp Genetics (formerly Invitae), Labcorp
Classification: Pathogenic for Cystic fibrosis. Last evaluated: 2023-02-16. Review status: criteria provided, single submitter. Criteria: Invitae Variant Classification Sherloc (09022015). Collection method: clinical testing. Allele origin: germline. Not counted in ClinVar's aggregate classification.
Comment: This premature translational stop signal has been observed in individual(s) with congenital absence of vas deferens (PMID: 10200050). This variant is also known as c.2896insAG. ClinVar contains an entry for this variant (Variation ID: 53563). For these reasons, this variant has been classified as Pathogenic. This variant is present in population databases (rs397508431, gnomAD 0.0009%). This sequence change creates a premature translational stop signal (p.Val922Glufs*2) in the CFTR gene. It is expected to result in an absent or disrupted protein product. Loss-of-function variants in CFTR are known to be pathogenic (PMID: 1695717, 7691345, 9725922).

Women's Health and Genetics/Laboratory Corporation of America, LabCorp
Classification: Pathogenic for Cystic fibrosis. Last evaluated: 2022-11-28. Review status: criteria provided, single submitter. Criteria: LabCorp Variant Classification Summary - May 2015. Collection method: clinical testing. Allele origin: germline. Not counted in ClinVar's aggregate classification.
Comment: Variant summary: CFTR c.2763_2764dupAG (p.Val922GlufsX2), also referred to as c.2896insAG, results in a premature termination codon, predicted to cause a truncation of the encoded protein or absence of the protein due to nonsense mediated decay, which are commonly known mechanisms for disease. Truncations downstream of this position have been classified as pathogenic by our laboratory. The variant allele was found at a frequency of 4e-06 in 251410 control chromosomes (gnomAD). c.2763_2764dupAG has been reported in the literature in the compound heterozygous state in individuals affected with Congenital Bilateral Absense of the Vas Deferens (CBAVD) and in individuals affected with Cystic Fibrosis (e.g. de Meeus_1997, Clausters_2000, Munck_2020, Walton_2021). These data indicate that the variant is likely to be associated with disease. Four submitters, including the expert panel CFTR2, have provided clinical-significance assessments for this variant to ClinVar after 2014 and all classified the variant as pathogenic. Based on the evidence outlined above, the variant was classified as pathogenic.

CFTR-France
Classification: Pathogenic for cystic fibrosis. Last evaluated: 2018-01-29. Review status: criteria provided, single submitter. Criteria: Claustres M et al. (Hum Mutat 2017). Collection method: curation. Allele origin: germline. Affected: yes. Not counted in ClinVar's aggregate classification.

Ambry Genetics
Classification: Pathogenic for Cystic fibrosis. Last evaluated: 2014-12-22. Review status: criteria provided, single submitter. Criteria: Ambry General Variant Classification Scheme_2022. Collection method: clinical testing. Allele origin: germline. Observed: 1 variant allele. Not counted in ClinVar's aggregate classification.
Comment: The c.2763_2764dupAG pathogenic mutation located in coding exon 17 of the CFTR gene, results from duplication of the nucletides AG at position 2763, causing a translational frameshift with a predicted alternate stop codon. One study lists this mutation in a patient with CBAVD with another CFTR mutation in trans (de Meeus et al 1998; Hum Mutat 11(6):480). In addition to literature, since frameshifts are typically deleterious in nature, this alteration is interpreted as a disease-causing mutation (ACMG Recommendations for Standards for Interpretation and Reporting of Sequence Variations. Revision 2007. Genet Med. 2008;10:294). This mutation is also listed as 2896insAG in the literature.

Literature cited by the submitters: PubMed 31916691 (cited by Natera, Inc. and Women's Health and Genetics/Laboratory Corporation of America, LabCorp); PubMed 10200050 (cited by 3 submitters); PubMed 1695717 (cited by Labcorp Genetics (formerly Invitae), Labcorp); PubMed 7691345 (cited by Labcorp Genetics (formerly Invitae), Labcorp); PubMed 9725922 (cited by Labcorp Genetics (formerly Invitae), Labcorp); PubMed 10923036 (cited by Women's Health and Genetics/Laboratory Corporation of America, LabCorp); PubMed 21520337 (cited by Women's Health and Genetics/Laboratory Corporation of America, LabCorp); PubMed 30888834 (cited by Women's Health and Genetics/Laboratory Corporation of America, LabCorp); PubMed 34086412 (cited by Women's Health and Genetics/Laboratory Corporation of America, LabCorp).